The following is an entry in ClinVar:

ClinVar aggregate classification (germline): Uncertain significance (1 of 4 stars; one submission).

gnomAD v4.1: 432 of 1,597,790 alleles (0.027%); highest among the groups gnomAD compares: Non-Finnish European, 0.035%; 1 homozygote.

Submission:

CeGaT Center for Human Genetics Tuebingen
Classification: Uncertain significance. Last evaluated: 2026-03-01. Review status: criteria provided, single submitter. Criteria: CeGaT Center For Human Genetics Tuebingen Variant Classification Criteria Version 2. Collection method: clinical testing. Allele origin: germline. Affected: yes. Observed: 1 variant allele.
Comment: CALM2: PVS1:Strong

NM_001305625.2(CALM2):c.-106+332C>T

Gene: CALM2 (calmodulin 2; minus strand). Cytogenetic location: 2p21.
Variant type: single nucleotide variant.
Coding change: c.-106+332C>T on transcript NM_001305625.2; 332 bases into the intron after 106 bases upstream of the start codon, C replaced by T.
Molecular consequence: intron variant. On other transcripts: nonsense (1).
Genome position (GRCh38, 1-based): chr2:47,176,517, G>A on the plus strand (C>T on the coding strand, the complement: CALM2 is on the minus strand). VCF-style: chr2-47176517-G-A. GRCh37 (hg19) VCF-style: chr2-47403656-G-A.
Other names: c.25C>T, p.Arg9Ter (NM_001305624.1); short protein forms R9*.
Identifiers: ClinVar variation 4821617 (VCV004821617.4).